The following is an entry in ClinVar:

NM_018127.7(ELAC2):c.2458G>A (p.Ala820Thr)

Gene: ELAC2 (elaC ribonuclease Z 2; minus strand). Cytogenetic location: 17p12.
Variant type: single nucleotide variant.
Coding change: c.2458G>A on transcript NM_018127.7 (MANE Select); coding-DNA position 2458, G replaced by A.
Protein change: p.Ala820Thr; replaces alanine 820 with threonine.
Molecular consequence: missense variant.
Genome position (GRCh38, 1-based): chr17:12,992,841, C>T on the plus strand (G>A on the coding strand, the complement: ELAC2 is on the minus strand). VCF-style: chr17-12992841-C-T. GRCh37 (hg19) VCF-style: chr17-12896158-C-T.
Other names: c.2338G>A, p.Ala780Thr (NM_001165962.2); c.2455G>A, p.Ala819Thr (NM_173717.2); short protein forms A780T, A819T, A820T.
Identifiers: ClinVar variation 1720612 (VCV001720612.5), dbSNP rs1263092738, ClinGen allele CA398222042.
Genomic context (GRCh38, chr17:12,992,841, plus strand): 5'-GACACACAGCCTTCTGAGTTCAGGGTCTCCCAGATCTTCACTGGGCTCTGACCTTCTTGG[C>T]CTGTGGCTCCTCTGTGTGGGCCCGCTTCTGCTGAGGCTCCCCATCCTCCAGGCCGCCTGC-3'
Protein context (NP_060597.4, residues 810-826): QKRAHTEEPQ[Ala820Thr]KKVRAQ

ClinVar aggregate classification (germline): Uncertain significance (1 of 4 stars; one submission).

Conditions:
Combined oxidative phosphorylation defect type 17. Also called: Combined oxidative phosphorylation deficiency 17. Identifiers: Orphanet 369913, MedGen C3809526, MONDO:0014190, OMIM 615440.

Allele frequency attached by ClinVar (database versions not stated): gnomAD 0.00001.

Submission:

Labcorp Genetics (formerly Invitae), Labcorp
Classification: Uncertain significance for Combined oxidative phosphorylation defect type 17. Last evaluated: 2025-07-14. Review status: criteria provided, single submitter. Criteria: Invitae Variant Classification Sherloc (09022015). Collection method: clinical testing. Allele origin: germline.
Comment: This sequence change replaces alanine, which is neutral and non-polar, with threonine, which is neutral and polar, at codon 820 of the ELAC2 protein (p.Ala820Thr). This variant is present in population databases (no rsID available, gnomAD 0.02%). This variant has not been reported in the literature in individuals affected with ELAC2-related conditions. ClinVar contains an entry for this variant (Variation ID: 1720612). An algorithm developed to predict the effect of missense changes on protein structure and function (PolyPhen-2) suggests that this variant is likely to be tolerated. In summary, the available evidence is currently insufficient to determine the role of this variant in disease. Therefore, it has been classified as a Variant of Uncertain Significance.